The following is an entry in ClinVar:

ClinVar aggregate classification (germline): Uncertain significance (1 of 4 stars; one submission).

Conditions:
Propionic acidemia (PROP). Also called: HYPERGLYCINEMIA WITH KETOACIDOSIS AND LEUKOPENIA; KETOTIC HYPERGLYCINEMIA; GLYCINEMIA, KETOTIC. Identifiers: Orphanet 35, MedGen C0268579, MONDO:0011628, OMIM 606054, HP:0003571.

gnomAD v4.1: 7 of 1,614,142 alleles (0.00043%); highest among the groups gnomAD compares: Non-Finnish European, 0.00042%; no homozygotes.

Submission:

Labcorp Genetics (formerly Invitae), Labcorp
Classification: Uncertain significance for Propionic acidemia. Last evaluated: 2021-08-31. Review status: criteria provided, single submitter. Criteria: Invitae Variant Classification Sherloc (09022015). Collection method: clinical testing. Allele origin: germline.
Comment: This sequence change replaces phenylalanine with serine at codon 274 of the PCCB protein (p.Phe274Ser). The phenylalanine residue is highly conserved and there is a large physicochemical difference between phenylalanine and serine. This variant is not present in population databases (ExAC no frequency). This missense change has been observed in individual(s) with propionic acidemia (Invitae). In at least one individual the data is consistent with the variant being in trans (on the opposite chromosome) from a pathogenic variant. Algorithms developed to predict the effect of missense changes on protein structure and function (SIFT, PolyPhen-2, Align-GVGD) all suggest that this variant is likely to be disruptive. In summary, the available evidence is currently insufficient to determine the role of this variant in disease. Therefore, it has been classified as a Variant of Uncertain Significance.

NM_000532.5(PCCB):c.821T>C (p.Phe274Ser)

Gene: PCCB (propionyl-CoA carboxylase subunit beta; plus strand). Cytogenetic location: 3q22.3.
Variant type: single nucleotide variant.
Coding change: c.821T>C on transcript NM_000532.5 (MANE Select); coding-DNA position 821, T replaced by C.
Protein change: p.Phe274Ser; replaces phenylalanine 274 with serine.
Molecular consequence: missense variant.
Genome position (GRCh38, 1-based): chr3:136,298,009, T>C. VCF-style: chr3-136298009-T-C. GRCh37 (hg19) VCF-style: chr3-136016851-T-C.
Other names: c.881T>C, p.Phe294Ser (NM_001178014.2); short protein forms F294S, F274S.
Identifiers: ClinVar variation 2140738 (VCV002140738.1), dbSNP rs750931122, ClinGen allele CA83796543.
Genomic context (GRCh38, chr3:136,298,009, plus strand): 5'-TAGGTGTGGCCCACAGAGCTTTTGAAAATGATGTTGATGCCTTGTGTAATCTCCGGGATT[T>C]CTTCAACTACCTGCCCCTGAGCAGTCAGGACCCGGCTCCCGTCCGTGAGTGCCACGATCC-3'
Protein context (NP_000523.2, residues 264-284): DVDALCNLRD[Phe274Ser]FNYLPLSSQD